The following is an entry in ClinVar:

ClinVar aggregate classification (germline): Uncertain significance. Review status: criteria provided, multiple submitters, no conflicts (2 of 4 stars). 2 submissions from 2 submitters: Uncertain significance (2). Last evaluated 2025-09-04.

Conditions:
Inborn genetic diseases. Identifiers: MedGen C0950123, MeSH D030342.
Fanconi anemia (FA). Also called: Fanconi's anemia. Identifiers: Orphanet 84, MedGen C0015625, MeSH D005199, MONDO:0019391.

gnomAD v4.1: 1 of 1,610,342 alleles (0.000062%); highest among the groups gnomAD compares: Non-Finnish European, 0.000085%; no homozygotes.

Submissions (2):

Ambry Genetics
Classification: Uncertain significance for Inborn genetic diseases. Last evaluated: 2025-09-04. Review status: criteria provided, single submitter. Criteria: Ambry Variant Classification Scheme 2023. Collection method: clinical testing. Allele origin: germline.
Comment: The p.K1485N variant (also known as c.4455G>T), located in coding exon 17 of the FANCM gene, results from a G to T substitution at nucleotide position 4455. The lysine at codon 1485 is replaced by asparagine, an amino acid with similar properties. This amino acid position is conserved. In addition, this alteration is predicted to be tolerated by in silico analysis. Based on the available evidence, the clinical significance of this variant remains unclear.

Labcorp Genetics (formerly Invitae), Labcorp
Classification: Uncertain significance for Fanconi anemia. Last evaluated: 2025-05-07. Review status: criteria provided, single submitter. Criteria: Invitae Variant Classification Sherloc (09022015). Collection method: clinical testing. Allele origin: germline.
Comment: This sequence change replaces lysine, which is basic and polar, with asparagine, which is neutral and polar, at codon 1485 of the FANCM protein (p.Lys1485Asn). The frequency data for this variant in the population databases is considered unreliable, as metrics indicate poor data quality at this position in the gnomAD database. This variant has not been reported in the literature in individuals affected with FANCM-related conditions. An algorithm developed to predict the effect of missense changes on protein structure and function (PolyPhen-2) suggests that this variant is likely to be tolerated. In summary, the available evidence is currently insufficient to determine the role of this variant in disease. Therefore, it has been classified as a Variant of Uncertain Significance.

NM_020937.4(FANCM):c.4455G>T (p.Lys1485Asn)

Gene: FANCM (FA complementation group M; plus strand). Cytogenetic location: 14q21.2.
Variant type: single nucleotide variant.
Coding change: c.4455G>T on transcript NM_020937.4 (MANE Select); coding-DNA position 4455, G replaced by T.
Protein change: p.Lys1485Asn; replaces lysine 1485 with asparagine.
Molecular consequence: missense variant.
Genome position (GRCh38, 1-based): chr14:45,183,842, G>T. VCF-style: chr14-45183842-G-T. GRCh37 (hg19) VCF-style: chr14-45653045-G-T.
Other names: c.4377G>T, p.Lys1459Asn (NM_001308133.2); short protein forms K1485N, K1459N.
Identifiers: ClinVar variation 4254738 (VCV004254738.2).